The following is an entry in ClinVar:

NM_003242.6(TGFBR2):c.259G>C (p.Val87Leu)

Gene: TGFBR2 (transforming growth factor beta receptor 2; plus strand). Cytogenetic location: 3p24.1.
Variant type: single nucleotide variant.
Coding change: c.259G>C on transcript NM_003242.6 (MANE Select); coding-DNA position 259, G replaced by C.
Protein change: p.Val87Leu; replaces valine 87 with leucine.
Molecular consequence: missense variant. On other transcripts: intron variant (2).
Genome position (GRCh38, 1-based): chr3:30,644,911, G>C. VCF-style: chr3-30644911-G-C. GRCh37 (hg19) VCF-style: chr3-30686403-G-C.
Other names: c.334G>C, p.Val112Leu (NM_001024847.3, NM_001407126.1, NM_001407139.1); c.259G>C, p.Val87Leu (NM_001407127.1, NM_001407130.1); c.286G>C, p.Val96Leu (NM_001407128.1); c.154G>C, p.Val52Leu (NM_001407129.1, NM_001407132.1, NM_001407133.1 and 3 more transcripts); c.169+21638G>C (NM_001407137.1); c.95-26727G>C (NM_001407138.1); short protein forms V52L, V96L, V112L, V87L.
Identifiers: ClinVar variation 2774566 (VCV002774566.2), dbSNP rs1698703038, ClinGen allele CA351806669.

ClinVar aggregate classification (germline): Uncertain significance (1 of 4 stars; one submission).

Conditions:
Familial thoracic aortic aneurysm and aortic dissection (TAAD). Also called: Thoracic aortic aneurysms and dissections. Identifiers: Orphanet 91387, MedGen C4707243, MONDO:0019625.

Submission:

Color Diagnostics, LLC DBA Color Health
Classification: Uncertain significance for Familial thoracic aortic aneurysm and aortic dissection. Last evaluated: 2023-05-16. Review status: criteria provided, single submitter. Criteria: ACMG Guidelines, 2015. Collection method: clinical testing. Allele origin: germline.
Comment: This missense variant replaces valine with leucine at codon 87 of the TGFBR2 protein. Computational prediction suggests that this variant may not impact protein structure and function (internally defined REVEL score threshold <= 0.5, PMID: 27666373). To our knowledge, functional studies have not been reported for this variant. This variant has not been reported in individuals affected with TGFBR2-related disorders in the literature. This variant has not been identified in the general population by the Genome Aggregation Database (gnomAD). The available evidence is insufficient to determine the role of this variant in disease conclusively. Therefore, this variant is classified as a Variant of Uncertain Significance.